The following is an entry in ClinVar:

NM_006343.3(MERTK):c.203C>T (p.Thr68Ile)

Gene: MERTK (MER proto-oncogene, tyrosine kinase; plus strand). Cytogenetic location: 2q13.
Variant type: single nucleotide variant.
Coding change: c.203C>T on transcript NM_006343.3 (MANE Select); coding-DNA position 203, C replaced by T.
Protein change: p.Thr68Ile; replaces threonine 68 with isoleucine.
Molecular consequence: missense variant.
Genome position (GRCh38, 1-based): chr2:111,929,261, C>T. VCF-style: chr2-111929261-C-T. GRCh37 (hg19) VCF-style: chr2-112686838-C-T.
Other names: short protein forms T68I.
Identifiers: ClinVar variation 1514729 (VCV001514729.6), dbSNP rs2104686522, ClinGen allele CA348226139.

ClinVar aggregate classification (germline): Uncertain significance (1 of 4 stars; one submission).

Allele frequency attached by ClinVar (database versions not stated): gnomAD exomes below 0.00001.
gnomAD v4.1: 1 of 1,614,238 alleles (0.000062%); highest among the groups gnomAD compares: Non-Finnish European, 0.000085%; no homozygotes.

Submission:

Labcorp Genetics (formerly Invitae), Labcorp
Classification: Uncertain significance. Last evaluated: 2023-03-10. Review status: criteria provided, single submitter. Criteria: Invitae Variant Classification Sherloc (09022015). Collection method: clinical testing. Allele origin: germline.
Comment: This variant is not present in population databases (gnomAD no frequency). This sequence change replaces threonine, which is neutral and polar, with isoleucine, which is neutral and non-polar, at codon 68 of the MERTK protein (p.Thr68Ile). This variant has not been reported in the literature in individuals affected with MERTK-related conditions. In summary, the available evidence is currently insufficient to determine the role of this variant in disease. Therefore, it has been classified as a Variant of Uncertain Significance. Algorithms developed to predict the effect of missense changes on protein structure and function output the following: SIFT: "Not Available"; PolyPhen-2: "Benign"; Align-GVGD: "Not Available". The isoleucine amino acid residue is found in multiple mammalian species, which suggests that this missense change does not adversely affect protein function. ClinVar contains an entry for this variant (Variation ID: 1514729).